The following is an entry in ClinVar:

NM_015272.5(RPGRIP1L):c.1583T>A (p.Met528Lys)

Gene: RPGRIP1L (RPGRIP1 like; minus strand). Cytogenetic location: 16q12.2.
Variant type: single nucleotide variant.
Coding change: c.1583T>A on transcript NM_015272.5 (MANE Select); coding-DNA position 1583, T replaced by A.
Protein change: p.Met528Lys; replaces methionine 528 with lysine.
Molecular consequence: missense variant.
Genome position (GRCh38, 1-based): chr16:53,656,588, A>T on the plus strand (T>A on the coding strand, the complement: RPGRIP1L is on the minus strand). VCF-style: chr16-53656588-A-T. GRCh37 (hg19) VCF-style: chr16-53690500-A-T.
Other names: c.1583T>A, p.Met528Lys (NM_001127897.4, NM_001308334.3, NM_001330538.2); short protein forms M528K.
Identifiers: ClinVar variation 2943145 (VCV002943145.3), dbSNP rs1567846425, ClinGen allele CA395918482.

ClinVar aggregate classification (germline): Uncertain significance (1 of 4 stars; one submission).

Conditions:
Joubert syndrome. Also called: CEREBELLOPARENCHYMAL DISORDER IV; JOUBERT-BOLTSHAUSER SYNDROME; Familial aplasia of the vermis. Identifiers: Orphanet 475, MedGen C5979921, MONDO:0018772.
Meckel-Gruber syndrome. Also called: DYSENCEPHALIA SPLANCHNOCYSTICA; GRUBER SYNDROME; Dysencephalia splachnocystica. Identifiers: Orphanet 564, MedGen C0265215, MONDO:0018921.

Allele frequency attached by ClinVar (database versions not stated): gnomAD exomes below 0.00001; TOPMed below 0.00001.
gnomAD v4.1: 1 of 1,595,926 alleles (0.000063%); highest among the groups gnomAD compares: Non-Finnish European, 0.000086%; no homozygotes.

Submission:

Labcorp Genetics (formerly Invitae), Labcorp
Classification: Uncertain significance for Joubert syndrome; Meckel-Gruber syndrome. Last evaluated: 2024-10-14. Review status: criteria provided, single submitter. Criteria: Invitae Variant Classification Sherloc (09022015). Collection method: clinical testing. Allele origin: germline.
Comment: This sequence change replaces methionine, which is neutral and non-polar, with lysine, which is basic and polar, at codon 528 of the RPGRIP1L protein (p.Met528Lys). This variant is not present in population databases (gnomAD no frequency). This variant has not been reported in the literature in individuals affected with RPGRIP1L-related conditions. An algorithm developed to predict the effect of missense changes on protein structure and function (PolyPhen-2) suggests that this variant is likely to be tolerated. Algorithms developed to predict the effect of sequence changes on RNA splicing suggest that this variant may create or strengthen a splice site. In summary, the available evidence is currently insufficient to determine the role of this variant in disease. Therefore, it has been classified as a Variant of Uncertain Significance.